The following is an entry in ClinVar:

NM_004333.6(BRAF):c.735A>T (p.Leu245Phe)

Gene: BRAF (B-Raf proto-oncogene, serine/threonine kinase; minus strand). Cytogenetic location: 7q34.
Variant type: single nucleotide variant.
Coding change: c.735A>T on transcript NM_004333.6 (MANE Select); coding-DNA position 735, A replaced by T.
Protein change: p.Leu245Phe; replaces leucine 245 with phenylalanine.
Molecular consequence: missense variant.
Genome position (GRCh38, 1-based): chr7:140,801,537, T>A on the plus strand (A>T on the coding strand, the complement: BRAF is on the minus strand). VCF-style: chr7-140801537-T-A. GRCh37 (hg19) VCF-style: chr7-140501337-T-A.
Other names: p.L245F:TTA>TTT; NM_004333.4(BRAF):c.735A>T; c.735A>T, p.Leu245Phe (NM_001354609.2, NM_001374244.1, NM_001374258.1 and 4 more transcripts); c.744A>T, p.Leu248Phe (NM_001378467.1); c.633A>T, p.Leu211Phe (NM_001378470.1); c.579A>T, p.Leu193Phe (NM_001378472.1, NM_001378473.1); c.471A>T, p.Leu157Phe (NM_001378475.1); short protein forms L245F, L211F, L157F, L248F, L193F.
Identifiers: ClinVar variation 40348 (VCV000040348.20), dbSNP rs397507466, ClinGen allele CA280029.

ClinVar aggregate classification (germline): Pathogenic. Review status: reviewed by expert panel (3 of 4 stars). 7 submissions from 7 submitters: Pathogenic (1). 6 of the submissions do not count toward it. Last evaluated 2019-05-10.

Conditions:
Noonan syndrome and Noonan-related syndrome. Identifiers: Orphanet 98733, MedGen C5681679, MONDO:0020297.
Cardio-facio-cutaneous syndrome. Also called: Cardiofaciocutaneous syndrome; CFC syndrome. Identifiers: Orphanet 1340, MedGen C1275081, MONDO:0015280. Disease mechanism: gain of function.
RASopathy. Also called: Noonan spectrum disorder; rasopathies. Identifiers: Orphanet 536391, MedGen C5555857, MONDO:0021060.
Noonan syndrome 7 (NS7). Also called: BRAF-Related Noonan Syndrome. Identifiers: Orphanet 648, MedGen C3150970, MONDO:0013379, OMIM 613706.
Noonan syndrome with multiple lentigines. Identifiers: Orphanet 500, MedGen C0175704, MONDO:0007893.
Neurodevelopmental delay. Identifiers: MedGen C4022738, HP:0012758.

Submissions (7):

ClinGen RASopathy Variant Curation Expert Panel
Classification: Pathogenic for Noonan syndrome and Noonan-related syndrome. Last evaluated: 2019-05-10. Review status: reviewed by expert panel. Criteria: ClinGen RASopathy ACMG Specifications v1. Collection method: curation. Allele origin: germline. Inheritance: Autosomal dominant inheritance.
Comment: The c.735A>T p.Leu245Phe variant in BRAF has been identified in at least 2 independent occurrences, one of which was de novo, in patients with clinical features of a RASopathy (PM6, PS4_Supporting; Partners LMM, University Magdeburg internal data; GTR Lab IDs: 21766, 506381 PMID: 19206169, 22190897). This variant was absent from large population studies (PM2; gnomAD). Computational prediction tools and conservation analysis suggest that the p.Leu245Phe variant may impact the protein (PP3). The variant is located in the BRAF gene, which has been defined by the ClinGen RASopathy Expert Panel as a gene with a low rate of benign missense variants and pathogenic missense variants are common (PP2; PMID: 29493581). Of note, the p.Leu245Phe change has also been reported as a consequence of the c.735A>C variant in BRAF, which has been classified as pathogenic and therefore supports that this residue may be critical to protein function (PS1; ClinVar ID: 40347). Furthermore, the variant is in a location that has been defined by the ClinGen RASopathy Expert Panel to be a mutational hotspot or domain of BRAF (PM1; PMID 29493581). In summary, this variant meets criteria to be classified as pathogenic for RASopathies in an autosomal dominant manner. Rasopathy-specific ACMG/AMP criteria applied (PMID:29493581): PS4_Supporting, PM6, PM1, PM2, PS1, PP2, PP3.

3billion
Classification: Pathogenic for Noonan syndrome 7. Last evaluated: 2025-10-30. Review status: criteria provided, single submitter. Criteria: ACMG Guidelines, 2015. Collection method: clinical testing. Allele origin: germline. Affected: yes. Not counted in ClinVar's aggregate classification.
Comment: The variant is not observed in the gnomAD v4.1.0 dataset. Predicted Consequence/Location: The variant is located in a mutational hot spot and/or well-established functional domain in which established pathogenic variants have been reported (PMID: 29493581). Missense variant. Missense changes are a common disease-causing mechanism. In silico tool predictions suggest damaging effect of the variant on gene or gene product [REVEL: 0.83 (>=0.6, sensitivity 0.68 and specificity 0.92); 3Cnet: 0.99 (> 0.75, sensitivity 0.96 and precision 0.92)]. The same nucleotide change resulting in the same amino acid change has been previously reported as pathogenic/likely pathogenic with strong evidence (ClinVar ID: VCV000040348 /PMID: 19206169). The variant has been previously reported as assumed (i.e. paternity and maternity not confirmed) de novo in at least one similarly affected unrelated individual (PMID: 19206169, 22190897). Therefore, this variant is classified as Pathogenic according to the recommendation of ACMG/AMP guideline.

Labcorp Genetics (formerly Invitae), Labcorp
Classification: Pathogenic for RASopathy. Last evaluated: 2025-09-08. Review status: criteria provided, single submitter. Criteria: Invitae Variant Classification Sherloc (09022015). Collection method: clinical testing. Allele origin: germline. Not counted in ClinVar's aggregate classification.
Comment: This sequence change replaces leucine, which is neutral and non-polar, with phenylalanine, which is neutral and non-polar, at codon 245 of the BRAF protein (p.Leu245Phe). This variant is not present in population databases (gnomAD no frequency). This missense change has been observed in individual(s) with cardio-facio-cutaneous syndrome (PMID: 19206169, 19416762, 22190897). ClinVar contains an entry for this variant (Variation ID: 40348). Invitae Evidence Modeling incorporating data from in vitro experimental studies (internal data) indicates that this missense variant is expected to disrupt BRAF function with a positive predictive value of 95%. For these reasons, this variant has been classified as Pathogenic.

Laboratory for Molecular Medicine, Mass General Brigham Personalized Medicine
Classification: Likely pathogenic for Cardio-facio-cutaneous syndrome. Last evaluated: 2012-08-22. Review status: criteria provided, single submitter. Criteria: LMM Criteria. Collection method: clinical testing. Allele origin: germline. Inheritance: Autosomal dominant inheritance. Observed: 1 variant allele. Not counted in ClinVar's aggregate classification.
Comment: The Leu245Phe variant in BRAF has been previously identified in the literature i n two patients, one with clinical features of Cardio-Facio-Cutaneous Syndrome an d one with clinical features of Leopard Syndrome, and was shown to be absent fro m 600 control chromosomes (Sarkozy 2009, Koudova 2009). In one patient , the variant was shown to have occured de novo (Koudova 2009). Moreover, this v ariant has not been identified in large and broad populations by the NHLBI Exome Sequencing Project. Computational analyses ( biochemical amino acid properties, conservation, AlignGVGD, PolyPhen2, and SIFT) do not provide strong support for or against an impact to the protein. In summa ry, this variant is likely pathogenic, though additional studies are required to fully establish its clinical significance.

GeneDx
Classification: Pathogenic. Last evaluated: 2012-03-28. Review status: criteria provided, single submitter. Criteria: GeneDx Variant Classification (06012015). Collection method: clinical testing. Allele origin: germline. Affected: yes. Not counted in ClinVar's aggregate classification.
Comment: The L245F missense mutation in the BRAF gene has been published previously in association with Cardio-Facio-Cutaneous (CFC) Syndrome (Sarkozy et al., 2009). It has also been reported in an individual with LEOPARD syndrome and normal intelligence (Koudova et al., 2009). L245F results in a non-conservative amino acid substitution in that a small, compact Leucine residue is replaced with a large, bulky Phenylalanine at a position that is highly conserved. The variant is found in NOONAN panel(s).

Centre de Biologie Pathologie Génétique, Centre Hospitalier Universitaire de Lille
Classification: Pathogenic for Neurodevelopmental delay. Review status: criteria provided, single submitter. Criteria: ACMG Guidelines, 2015. Collection method: clinical testing. Allele origin: de novo. Affected: yes. Not counted in ClinVar's aggregate classification.

GeneReviews
No classification provided. Condition: Noonan syndrome with multiple lentigines. Review status: no classification provided. Collection method: literature only. Allele origin: unknown. Not counted in ClinVar's aggregate classification.

Literature cited by the submitters: PubMed 19206169 (cited by 4 submitters); PubMed 30820351 (cited by ClinGen RASopathy Variant Curation Expert Panel); PubMed 23763990 (cited by ClinGen RASopathy Variant Curation Expert Panel); PubMed 22190897 (cited by 3 submitters); PubMed 19416762 (cited by 3 submitters); PubMed 20301557 (cited by GeneReviews); NCBI Bookshelf NBK1383 (cited by GeneReviews).